The following is an entry in ClinVar:

ClinVar aggregate classification (germline): Uncertain significance. Review status: criteria provided, multiple submitters, no conflicts (2 of 4 stars). 5 submissions from 5 submitters: Uncertain significance (5). Last evaluated 2025-12-17.

Conditions:
PLOD2-related disorder. Also called: PLOD2-related condition.
Osteogenesis imperfecta (OI). Identifiers: Orphanet 666, MedGen C0029434, MeSH D010013, MONDO:0019019.
Inborn genetic diseases. Identifiers: MedGen C0950123, MeSH D030342.

Allele frequency attached by ClinVar (database versions not stated): ExAC 0.00003; gnomAD exomes 0.00007 and 0.00008; gnomAD 0.00011 and 0.00014; TOPMed 0.00017.
gnomAD v4.1: 129 of 1,530,938 alleles (0.0084%); highest among the groups gnomAD compares: Middle Eastern, 0.085%; no homozygotes.

Submissions (5):

PreventionGenetics, part of Exact Sciences
Classification: Uncertain significance for PLOD2-related condition. Last evaluated: 2025-12-17. Review status: criteria provided, single submitter. Criteria: ACMG Guidelines, 2015. Collection method: clinical testing. Allele origin: germline.
Comment: The PLOD2 c.1128G>A variant is predicted to result in the amino acid substitution p.Met376Ile. To our knowledge, this variant has not been reported in the literature. This variant is reported in 0.023% of alleles in individuals of Latino descent in gnomAD. At this time, the clinical significance of this variant is uncertain due to the absence of conclusive functional and genetic evidence.

Labcorp Genetics (formerly Invitae), Labcorp
Classification: Uncertain significance. Last evaluated: 2024-09-16. Review status: criteria provided, single submitter. Criteria: Invitae Variant Classification Sherloc (09022015). Collection method: clinical testing. Allele origin: germline.
Comment: This sequence change replaces methionine, which is neutral and non-polar, with isoleucine, which is neutral and non-polar, at codon 376 of the PLOD2 protein (p.Met376Ile). This variant is present in population databases (rs202241126, gnomAD 0.02%). This variant has not been reported in the literature in individuals affected with PLOD2-related conditions. ClinVar contains an entry for this variant (Variation ID: 1343760). An algorithm developed to predict the effect of missense changes on protein structure and function (PolyPhen-2) suggests that this variant¬†is likely to be tolerated. In summary, the available evidence is currently insufficient to determine the role of this variant in disease. Therefore, it has been classified as a Variant of Uncertain Significance.

Women's Health and Genetics/Laboratory Corporation of America, LabCorp
Classification: Uncertain significance. Last evaluated: 2022-02-18. Review status: criteria provided, single submitter. Criteria: LabCorp Variant Classification Summary - May 2015. Collection method: clinical testing. Allele origin: germline.

Ambry Genetics
Classification: Uncertain significance for Inborn genetic diseases. Last evaluated: 2021-07-06. Review status: criteria provided, single submitter. Criteria: Ambry Variant Classification Scheme 2023. Collection method: clinical testing. Allele origin: germline.

Genome Diagnostics Laboratory, The Hospital for Sick Children
Classification: Uncertain significance for Osteogenesis imperfecta. Last evaluated: 2021-06-25. Review status: criteria provided, single submitter. Criteria: ACMG Guidelines, 2015. Collection method: clinical testing. Allele origin: germline.

NM_182943.3(PLOD2):c.1128G>A (p.Met376Ile)

Gene: PLOD2 (procollagen-lysine,2-oxoglutarate 5-dioxygenase 2; minus strand). Cytogenetic location: 3q24.
Variant type: single nucleotide variant.
Coding change: c.1128G>A on transcript NM_182943.3 (MANE Select); coding-DNA position 1128, G replaced by A.
Protein change: p.Met376Ile; replaces methionine 376 with isoleucine.
Molecular consequence: missense variant.
Genome position (GRCh38, 1-based): chr3:146,085,273, C>T on the plus strand (G>A on the coding strand, the complement: PLOD2 is on the minus strand). VCF-style: chr3-146085273-C-T. GRCh37 (hg19) VCF-style: chr3-145803060-C-T.
Other names: c.1128G>A, p.Met376Ile (NM_000935.3); c.1128G>A (NM_000935.2); short protein forms M376I.
Identifiers: ClinVar variation 1343760 (VCV001343760.11), dbSNP rs202241126, ClinGen allele CA2654985.